The following is an entry in ClinVar:

NM_033380.3(COL4A5):c.1607G>A (p.Gly536Asp)

Gene: COL4A5 (collagen type IV alpha 5 chain; plus strand). Cytogenetic location: Xq22.3.
Variant type: single nucleotide variant.
Coding change: c.1607G>A on transcript NM_033380.3 (MANE Select); coding-DNA position 1607, G replaced by A.
Protein change: p.Gly536Asp; replaces glycine 536 with aspartic acid.
Molecular consequence: missense variant.
Genome position (GRCh38, 1-based): chrX:108,597,396, G>A. VCF-style: chrX-108597396-G-A. GRCh37 (hg19) VCF-style: chrX-107840626-G-A.
Other names: c.1607G>A, p.Gly536Asp (NM_000495.5); short protein forms G536D.
Identifiers: ClinVar variation 24429 (VCV000024429.11), dbSNP rs104886125, ClinGen allele CA258505.

ClinVar aggregate classification (germline): Pathogenic/Likely pathogenic. Review status: criteria provided, multiple submitters, no conflicts (2 of 4 stars). 2 submissions from 2 submitters: Pathogenic (1); Likely pathogenic (1). Last evaluated 2021-04-10.

Submissions (2):

Labcorp Genetics (formerly Invitae), Labcorp
Classification: Pathogenic. Last evaluated: 2021-04-10. Review status: criteria provided, single submitter. Criteria: Invitae Variant Classification Sherloc (09022015). Collection method: clinical testing. Allele origin: germline.
Comment: This variant has been observed in individuals with Alport syndrome (PMID: 17660027, Invitae). ClinVar contains an entry for this variant (Variation ID: 24429). This variant is not present in population databases (ExAC no frequency). This sequence change replaces glycine with aspartic acid at codon 536 of the COL4A5 protein (p.Gly536Asp). The glycine residue is highly conserved and there is a moderate physicochemical difference between glycine and aspartic acid. Glycine residues within the Gly-Xaa-Yaa repeats of the triple helix domain are required for the structure and stability of fibrillar collagens (PMID: 7695699, 8218237, 19344236). In COL4A5, missense variants at these glycine residues are significantly enriched in individuals with disease (PMID: 23720012, 27627812) compared to the general population (ExAC). For these reasons, this variant has been classified as Pathogenic.

Gharavi Laboratory, Columbia University
Classification: Likely pathogenic. Last evaluated: 2018-09-16. Review status: criteria provided, single submitter. Criteria: ACMG Guidelines, 2015. Collection method: research. Allele origin: germline. Affected: yes.

Literature cited by the submitters: PubMed 17660027 (cited by Labcorp Genetics (formerly Invitae), Labcorp); PubMed 7695699 (cited by Labcorp Genetics (formerly Invitae), Labcorp); PubMed 8218237 (cited by Labcorp Genetics (formerly Invitae), Labcorp); PubMed 19344236 (cited by Labcorp Genetics (formerly Invitae), Labcorp); PubMed 23720012 (cited by Labcorp Genetics (formerly Invitae), Labcorp); PubMed 27627812 (cited by Labcorp Genetics (formerly Invitae), Labcorp).